The following is an entry in ClinVar:

ClinVar aggregate classification (germline): Conflicting classifications of pathogenicity. Review status: criteria provided, conflicting classifications (1 of 4 stars). 9 submissions from 9 submitters: Uncertain significance (6); Benign (1); Likely benign (2). Last evaluated 2025-12-09.

Conditions:
Hereditary cancer-predisposing syndrome. Also called: Tumor predisposition; Hereditary Cancer Syndrome; Hereditary neoplastic syndrome; Neoplastic Syndromes, Hereditary. Identifiers: Orphanet 140162, MedGen C0027672, MeSH D009386, MONDO:0015356.
Tuberous sclerosis 2 (TSC2). Identifiers: Orphanet 805, MedGen C1860707, MONDO:0013199, OMIM 613254.
Tuberous sclerosis syndrome (TSC). Also called: Tuberous Sclerosis Complex; Tuberous sclerosis. Identifiers: Orphanet 805, MedGen C0041341, MONDO:0001734.

Allele frequency attached by ClinVar (database versions not stated): gnomAD exomes below 0.00001 and 0.00001; ExAC 0.00001; gnomAD 0.00001; TOPMed 0.00001.
gnomAD v4.1: 13 of 1,612,696 alleles (0.00081%); highest among the groups gnomAD compares: Non-Finnish European, 0.001%; no homozygotes.

Submissions (9):

Mayo Clinic Laboratories, Mayo Clinic
Classification: Uncertain significance. Last evaluated: 2025-12-09. Review status: criteria provided, single submitter. Criteria: ACMG Guidelines, 2015. Collection method: clinical testing. Allele origin: germline. Observed: 1 variant allele.
Comment: PM2_supporting

Color Diagnostics, LLC DBA Color Health
Classification: Uncertain significance for Tuberous sclerosis syndrome. Last evaluated: 2025-06-24. Review status: criteria provided, single submitter. Criteria: ACMG Guidelines, 2015. Collection method: clinical testing. Allele origin: germline.
Comment: This missense variant replaces lysine with glutamic acid at codon 1180 of the TSC2 protein. Computational prediction is inconclusive regarding the impact of this variant on protein structure and function. To our knowledge, functional studies have not been reported for this variant. This variant has not been reported in individuals affected with TSC2-related disorders in the literature. This variant has been identified in 1/250142 chromosomes in the general population by the Genome Aggregation Database (gnomAD). The available evidence is insufficient to determine the role of this variant in disease conclusively. Therefore, this variant is classified as a Variant of Uncertain Significance.

Labcorp Genetics (formerly Invitae), Labcorp
Classification: Benign for Tuberous sclerosis 2. Last evaluated: 2025-01-22. Review status: criteria provided, single submitter. Criteria: Invitae Variant Classification Sherloc (09022015). Collection method: clinical testing. Allele origin: germline.

CeGaT Center for Human Genetics Tuebingen
Classification: Uncertain significance. Last evaluated: 2023-11-01. Review status: criteria provided, single submitter. Criteria: CeGaT Center For Human Genetics Tuebingen Variant Classification Criteria Version 2. Collection method: clinical testing. Allele origin: germline. Affected: yes. Observed: 1 variant allele.

GeneDx
Classification: Uncertain significance. Last evaluated: 2023-10-10. Review status: criteria provided, single submitter. Criteria: GeneDx Variant Classification Process June 2021. Collection method: clinical testing. Allele origin: germline. Affected: yes.
Comment: In silico analysis supports that this missense variant does not alter protein structure/function; Has not been previously published as pathogenic or benign to our knowledge

All of Us Research Program, National Institutes of Health
Classification: Uncertain significance for Tuberous sclerosis syndrome. Last evaluated: 2023-05-16. Review status: criteria provided, single submitter. Criteria: ACMG Guidelines, 2015. Collection method: clinical testing. Allele origin: germline. Inheritance: Autosomal dominant inheritance. Observed: 2 variant alleles, 2 heterozygotes.
Comment: This missense variant replaces lysine with glutamic acid at codon 1180 of the TSC2 protein. Computational prediction is inconclusive regarding the impact of this variant on protein structure and function (internally defined REVEL score threshold 0.5 < inconclusive < 0.7, PMID: 27666373). To our knowledge, functional studies have not been reported for this variant. This variant has not been reported in individuals affected with tuberous sclerosis complex in the literature. This variant has been identified in 1/250142 chromosomes in the general population by the Genome Aggregation Database (gnomAD). The available evidence is insufficient to determine the role of this variant in disease conclusively. Therefore, this variant is classified as a Variant of Uncertain Significance.

This study involves interpretation of variants in research participants for the purpose of population health screening. Participant phenotype was not available at the time of variant classification. Additional details can be found in publication PMID: 35346344, PMCID: PMC8962531

Ambry Genetics
Classification: Likely benign for Hereditary cancer-predisposing syndrome. Last evaluated: 2022-03-02. Review status: criteria provided, single submitter. Criteria: Ambry Variant Classification Scheme 2023. Collection method: clinical testing. Allele origin: germline.

Genome-Nilou Lab
Classification: Likely benign for Tuberous sclerosis 2. Last evaluated: 2021-11-07. Review status: criteria provided, single submitter. Criteria: ACMG Guidelines, 2015. Collection method: clinical testing. Allele origin: germline. Affected: no.

Baylor Genetics
Classification: Uncertain significance for Tuberous sclerosis 2. Last evaluated: 2020-05-21. Review status: criteria provided, single submitter. Criteria: ACMG Guidelines, 2015. Collection method: clinical testing. Allele origin: maternal. Affected: yes. Study: CSER-TexasKidsCanSeq.
Comment: This variant was determined to be of uncertain significance according to ACMG Guidelines, 2015 [PMID:25741868].

NM_000548.5(TSC2):c.3538A>G (p.Lys1180Glu)

Gene: TSC2 (TSC complex subunit 2; plus strand). Cytogenetic location: 16p13.3.
Variant type: single nucleotide variant.
Coding change: c.3538A>G on transcript NM_000548.5 (MANE Select); coding-DNA position 3538, A replaced by G.
Protein change: p.Lys1180Glu; replaces lysine 1180 with glutamic acid.
Molecular consequence: missense variant.
Genome position (GRCh38, 1-based): chr16:2,080,305, A>G. VCF-style: chr16-2080305-A-G. GRCh37 (hg19) VCF-style: chr16-2130306-A-G.
Other names: p.Lys1180Glu; c.3406A>G, p.Lys1136Glu (NM_001077183.3, NM_001370404.1); c.3538A>G, p.Lys1180Glu (NM_001114382.3); c.3298A>G, p.Lys1100Glu (NM_001318827.2); c.3262A>G, p.Lys1088Glu (NM_001318829.2); c.2806A>G, p.Lys936Glu (NM_001318831.2); c.3439A>G, p.Lys1147Glu (NM_001318832.2); c.3409A>G, p.Lys1137Glu (NM_001363528.2, NM_001370405.1, NM_021055.3); short protein forms K1180E, K1088E, K1100E, K936E, K1136E, K1137E, K1147E.
Identifiers: ClinVar variation 577421 (VCV000577421.48), dbSNP rs751708490, ClinGen allele CA047382.